The following is an entry in ClinVar:

NM_000083.3(CLCN1):c.562G>C (p.Gly188Arg)

Gene: CLCN1 (chloride voltage-gated channel 1; plus strand). Cytogenetic location: 7q34.
Variant type: single nucleotide variant.
Coding change: c.562G>C on transcript NM_000083.3 (MANE Select); coding-DNA position 562, G replaced by C.
Protein change: p.Gly188Arg; replaces glycine 188 with arginine.
Molecular consequence: missense variant. On other transcripts: non-coding transcript variant (1).
Genome position (GRCh38, 1-based): chr7:143,321,493, G>C. VCF-style: chr7-143321493-G-C. GRCh37 (hg19) VCF-style: chr7-143018586-G-C.
Other names: short protein forms G188R.
Identifiers: ClinVar variation 1700542 (VCV001700542.2), dbSNP rs1302735361, ClinGen allele CA369684109.

ClinVar aggregate classification (germline): Uncertain significance (1 of 4 stars; one submission).

Submission:

GeneDx
Classification: Uncertain significance. Last evaluated: 2022-02-08. Review status: criteria provided, single submitter. Criteria: GeneDx Variant Classification Process June 2021. Collection method: clinical testing. Allele origin: germline. Affected: yes.
Comment: Not observed at significant frequency in large population cohorts (gnomAD); In silico analysis, which includes splice predictors and evolutionary conservation, suggests this variant may damage or destroy the splice donor site and impact gene splicing. In the absence of RNA/functional studies, the actual effect of this sequence change is unknown.; Has not been previously published as pathogenic or benign to our knowledge